The following is an entry in ClinVar:

ClinVar aggregate classification (germline): Conflicting classifications of pathogenicity. Review status: criteria provided, conflicting classifications (1 of 4 stars). 11 submissions from 11 submitters: Pathogenic (9); Uncertain significance (1). 1 of the submissions does not count toward it. Last evaluated 2025-11-30.

Conditions:
SERPING1-related disorder. Also called: SERPING1-related condition.
Hereditary angioedema types I and II.
Inborn genetic diseases. Identifiers: MedGen C0950123, MeSH D030342.
C1 inhibitor deficiency. Identifiers: MedGen C1852700, MONDO:0007361, OMIM 120790.
Hereditary angioedema type 1 (HAE1). Identifiers: Orphanet 100050, Orphanet 100051, Orphanet 91378, MedGen C2717906, MONDO:0015053, OMIM 106100.
Hereditary C1 esterase inhibitor deficiency - dysfunctional factor (HAE2). Identifiers: Orphanet 100051, MedGen C0398776, MONDO:0015054.

Allele frequency attached by ClinVar (database versions not stated): gnomAD exomes below 0.00001.

Submissions (11):

Labcorp Genetics (formerly Invitae), Labcorp
Classification: Pathogenic. Last evaluated: 2025-11-30. Review status: criteria provided, single submitter. Criteria: Invitae Variant Classification Sherloc (09022015). Collection method: clinical testing. Allele origin: germline.
Comment: This sequence change replaces arginine, which is basic and polar, with histidine, which is basic and polar, at codon 466 of the SERPING1 protein (p.Arg466His). This variant is not present in population databases (gnomAD no frequency). This missense change has been observed in individuals with hereditary angioedema type 2 (PMID: 2563376, 23437219, 30556912). It has also been observed to segregate with disease in related individuals. This variant is also known as p.Arg444His. ClinVar contains an entry for this variant (Variation ID: 3946). Invitae Evidence Modeling of protein sequence and biophysical properties (such as structural, functional, and spatial information, amino acid conservation, physicochemical variation, residue mobility, and thermodynamic stability) has been performed for this missense variant. However, the output from this modeling did not meet the statistical confidence thresholds required to predict the impact of this variant on SERPING1 protein function. This variant disrupts the p.Arg466 amino acid residue in SERPING1. Other variant(s) that disrupt this residue have been determined to be pathogenic (PMID: 2563376, 18586324, 18758157, 23437219, 26812872). This suggests that this residue is clinically significant, and that variants that disrupt this residue are likely to be disease-causing. For these reasons, this variant has been classified as Pathogenic.

Institute of Human Genetics, University of Leipzig Medical Center
Classification: Pathogenic for Hereditary angioedema type 1. Last evaluated: 2025-11-13. Review status: criteria provided, single submitter. Criteria: ACMG Guidelines, 2015. Collection method: clinical testing. Allele origin: unknown. Inheritance: Autosomal dominant inheritance. Affected: yes.
Comment: Criteria applied: PS4,PM5_STR,PM2_SUP,PP3

North West Genomic Laboratory Hub, Manchester University NHS Foundation Trust
Classification: Pathogenic for Hereditary angioedema types I and II. Last evaluated: 2024-09-26. Review status: criteria provided, single submitter. Criteria: ACGS Best Practice Guidelines for Variant Classification in Rare Disease 2020. Collection method: clinical testing. Allele origin: germline. Affected: yes.
Comment: PM5_Mod PP4_Supp PM1_Mod PS4_Mod PM2_Mod PM6_Str

Genomic Medicine Center of Excellence, King Faisal Specialist Hospital and Research Centre
Classification: Uncertain significance for Hereditary angioedema type 1. Last evaluated: 2024-03-26. Review status: criteria provided, single submitter. Criteria: ACMG Guidelines, 2015. Collection method: clinical testing. Allele origin: germline.

Blueprint Genetics
Classification: Pathogenic for SERPING1-related disorders. Last evaluated: 2023-10-02. Review status: criteria provided, single submitter. Criteria: ACMG Guidelines, 2015. Collection method: clinical testing. Allele origin: germline. Affected: yes. Observed: 3 variant alleles.

Fulgent Genetics
Classification: Pathogenic for Hereditary angioedema type 1; C1 inhibitor deficiency. Last evaluated: 2022-04-14. Review status: criteria provided, single submitter. Criteria: ACMG Guidelines, 2015. Collection method: clinical testing. Allele origin: unknown.

GeneDx
Classification: Pathogenic. Last evaluated: 2020-07-06. Review status: criteria provided, single submitter. Criteria: GeneDx Variant Classification Process June 2021. Collection method: clinical testing. Allele origin: germline. Affected: yes.
Comment: Not observed in large population cohorts (Lek et al., 2016); In silico analysis supports that this missense variant has a deleterious effect on protein structure/function; This variant is associated with the following publications: (PMID: 20804470, 2894352, 28302171, 10719305, 12402344, 14569137, 27617473, 18758157, 24456027, 2563376, 3178731, 23437219, 11933207, 19752569, 29753808, 30556912)

Baylor Genetics
Classification: Pathogenic for Hereditary angioedema type 1. Last evaluated: 2019-07-24. Review status: criteria provided, single submitter. Criteria: ACMG Guidelines, 2015. Collection method: clinical testing. Allele origin: unknown. Affected: yes.
Comment: This variant was determined to be pathogenic according to ACMG Guidelines, 2015 [PMID:25741868].

Ambry Genetics
Classification: Pathogenic for Inborn genetic diseases. Last evaluated: 2015-10-27. Review status: criteria provided, single submitter. Criteria: Ambry Variant Classification Scheme 2023. Collection method: clinical testing. Allele origin: germline.
Comment: The p.R466H pathogenic mutation (also known as c.1397G>Aand p.R44H), located in coding exon 7 of the SERPING1 gene, results from a G to A substitution at nucleotide position 1397. The arginine at codon 466 is replaced by histidine, an amino acid with highly similar properties. This variant has been observed in several individuals with a clinical diagnosis of hereditary angioedema (Aulak KS, Biochem. J. 1988 Jul; 253(2):615-8. Skriver K, J. Biol. Chem. 1989 Feb; 264(6):3066-71). In addition, C1 inhibitor activity levels were decreased in affected patients with this variant, even though serum levels were normal (Rijavec M, PLoS ONE 2013 ; 8(2):e56712). Multiple alterations at the same amino acid have also been reported (Aulak KS et al, FEBS Lett. 1990 Jun; 266(1-2):13-6; Frangi D et al, FEBS Lett. 1992 Apr; 301(1):34-6; Blanch A et al, Hum. Mutat. 2002 Nov; 20(5):405-6; G&ouml;sswein T et al, Cytogenet. Genome Res. 2008 ; 121(3-4):181-8; Rijavec M, PLoS ONE 2013 ; 8(2):e56712). Based on the available evidence, p.R466H is classified as a pathogenic mutation.

Department of Immunology and Histocompatibility, University of Thessaly
Classification: Pathogenic for Hereditary angioedema type 1. Review status: criteria provided, single submitter. Criteria: ACMG Guidelines, 2015. Collection method: clinical testing. Allele origin: inherited. Affected: yes. Observed: 8 variant alleles.
Comment: The c.1397G>A (p.Arg466His) variant has been previously reported in association with hereditary angioedema in the literature (Ariga et al., 1989; Freiberger et al., 2002; Cumming et al., 2003; Gosswein et al., 2008; Faiyaz-Ul-Haque et al., 2010, Loules et al., 2018), in HAE database and in ClinVar database. The variant has not been detected in approximately 120000 individuals of the Exome Aggregation Consortium (ExAC) database, indicating that it is not a common variant. It was detected by our laboratory in 7 C1-INH-HAE Type II patients of a Greek family (4 male and 3 female) and 1 unrelated male patient with family history for the disease. According to functional studies concerning the reactive-centre region of C1-INH the variant causes loss of trypsin sensitivity and lowers the activity level of the protein (Aulak et al., 1988). Missense variants in the same residue [c.1396C>T (p.Arg466Cys), c.1396C>A (p.Arg466Ser), c.1396C>G (p.Arg466Gly), c.1397G>C (p.Arg466Pro), c.1397G>T (p.Arg466Leu)] and in nearby residues [c.1394C>T (p.Ala465Val)] have been previously reported in association with hereditary angioedema. Taking all the above into account and according to ACMG Guidelines, 2015 (Criteria: PS1, PS3, PS4, PM2, PP1, PP2, PP4), the variant is considered pathogenic.

OMIM
Classification: Pathogenic for ANGIOEDEMA, HEREDITARY, 2. Last evaluated: 1989-02-25. Review status: no assertion criteria provided. Collection method: literature only. Allele origin: germline. Not counted in ClinVar's aggregate classification.

Literature cited by the submitters: PubMed 2563376 (cited by 3 submitters); PubMed 23437219 (cited by Labcorp Genetics (formerly Invitae), Labcorp and Ambry Genetics); PubMed 30556912 (cited by Labcorp Genetics (formerly Invitae), Labcorp); PubMed 18586324 (cited by Labcorp Genetics (formerly Invitae), Labcorp); PubMed 18758157 (cited by Labcorp Genetics (formerly Invitae), Labcorp and Ambry Genetics); PubMed 26812872 (cited by Labcorp Genetics (formerly Invitae), Labcorp); PubMed 12402344 (cited by Ambry Genetics); PubMed 1451784 (cited by Ambry Genetics); PubMed 2365061 (cited by Ambry Genetics); PubMed 3178731 (cited by Ambry Genetics and OMIM); PubMed 29753808 (cited by Department of Immunology and Histocompatibility, University of Thessaly).

NM_000062.3(SERPING1):c.1397G>A (p.Arg466His)

Gene: SERPING1 (serpin family G member 1; plus strand). Cytogenetic location: 11q12.1.
Variant type: single nucleotide variant.
Coding change: c.1397G>A on transcript NM_000062.3 (MANE Select); coding-DNA position 1397, G replaced by A.
Protein change: p.Arg466His; replaces arginine 466 with histidine.
Molecular consequence: missense variant.
Genome position (GRCh38, 1-based): chr11:57,614,475, G>A. VCF-style: chr11-57614475-G-A. GRCh37 (hg19) VCF-style: chr11-57381948-G-A.
Other names: R444H; c.1397G>A, p.Arg466His (NM_001032295.2); short protein forms R466H.
Identifiers: ClinVar variation 3946 (VCV000003946.17), dbSNP rs121907948, ClinGen allele CA116519.